The following is an entry in ClinVar:

NM_177550.5(SLC13A5):c.1414T>C (p.Phe472Leu)

Gene: SLC13A5 (solute carrier family 13 member 5; minus strand). Cytogenetic location: 17p13.1.
Variant type: single nucleotide variant.
Coding change: c.1414T>C on transcript NM_177550.5 (MANE Select); coding-DNA position 1414, T replaced by C.
Protein change: p.Phe472Leu; replaces phenylalanine 472 with leucine.
Molecular consequence: missense variant.
Genome position (GRCh38, 1-based): chr17:6,690,802, A>G on the plus strand (T>C on the coding strand, the complement: SLC13A5 is on the minus strand). VCF-style: chr17-6690802-A-G. GRCh37 (hg19) VCF-style: chr17-6594121-A-G.
Other names: c.1414T>C, p.Phe472Leu (NM_001143838.3); c.1363T>C, p.Phe455Leu (NM_001284509.2); c.1285T>C, p.Phe429Leu (NM_001284510.2); short protein forms F429L, F455L, F472L.
Identifiers: ClinVar variation 1715458 (VCV001715458.6), dbSNP rs2544612379, ClinGen allele CA397739492.

ClinVar aggregate classification (germline): Uncertain significance (1 of 4 stars; one submission).

Conditions:
Developmental and epileptic encephalopathy, 25 (DEE25). Also called: Developmental and epileptic encephalopathy 25, with amelogenesis imperfecta; Epileptic encephalopathy, early infantile, 25, with amelogenesis imperfecta; Epileptic encephalopathy, early infantile, 25. Identifiers: Orphanet 442835, MedGen C4014621, MONDO:0014392, OMIM 615905.

Submission:

Labcorp Genetics (formerly Invitae), Labcorp
Classification: Uncertain significance for Developmental and epileptic encephalopathy, 25. Last evaluated: 2022-12-20. Review status: criteria provided, single submitter. Criteria: Invitae Variant Classification Sherloc (09022015). Collection method: clinical testing. Allele origin: germline.
Comment: This sequence change replaces phenylalanine, which is neutral and non-polar, with leucine, which is neutral and non-polar, at codon 472 of the SLC13A5 protein (p.Phe472Leu). This variant is not present in population databases (gnomAD no frequency). This variant has not been reported in the literature in individuals affected with SLC13A5-related conditions. ClinVar contains an entry for this variant (Variation ID: 1715458). Advanced modeling of protein sequence and biophysical properties (such as structural, functional, and spatial information, amino acid conservation, physicochemical variation, residue mobility, and thermodynamic stability) performed at Invitae indicates that this missense variant is not expected to disrupt SLC13A5 protein function. In summary, the available evidence is currently insufficient to determine the role of this variant in disease. Therefore, it has been classified as a Variant of Uncertain Significance.